The following is an entry in ClinVar:

ClinVar aggregate classification (germline): Uncertain significance (1 of 4 stars; one submission).

Submission:

Labcorp Genetics (formerly Invitae), Labcorp
Classification: Uncertain significance. Last evaluated: 2022-06-17. Review status: criteria provided, single submitter. Criteria: Invitae Variant Classification Sherloc (09022015). Collection method: clinical testing. Allele origin: germline.
Comment: In summary, the available evidence is currently insufficient to determine the role of this variant in disease. Therefore, it has been classified as a Variant of Uncertain Significance. Algorithms developed to predict the effect of missense changes on protein structure and function are either unavailable or do not agree on the potential impact of this missense change (SIFT: "Deleterious"; PolyPhen-2: "Probably Damaging"; Align-GVGD: "Class C15"). This variant has not been reported in the literature in individuals affected with KIAA2022-related conditions. This variant is not present in population databases (gnomAD no frequency). This sequence change replaces valine, which is neutral and non-polar, with methionine, which is neutral and non-polar, at codon 716 of the KIAA2022 protein (p.Val716Met).

NM_001008537.3(NEXMIF):c.2146G>A (p.Val716Met)

Gene: NEXMIF (neurite extension and migration factor; minus strand). Cytogenetic location: Xq13.3.
Variant type: single nucleotide variant.
Coding change: c.2146G>A on transcript NM_001008537.3 (MANE Select); coding-DNA position 2146, G replaced by A.
Protein change: p.Val716Met; replaces valine 716 with methionine.
Molecular consequence: missense variant.
Genome position (GRCh38, 1-based): chrX:74,742,411, C>T on the plus strand (G>A on the coding strand, the complement: NEXMIF is on the minus strand). VCF-style: chrX-74742411-C-T. GRCh37 (hg19) VCF-style: chrX-73962246-C-T.
Other names: short protein forms V716M.
Identifiers: ClinVar variation 1953250 (VCV001953250.5), dbSNP rs2519914427, ClinGen allele CA413668881.